The following is an entry in ClinVar:

ClinVar aggregate classification (germline): Uncertain significance. Review status: criteria provided, multiple submitters, no conflicts (2 of 4 stars). 2 submissions from 2 submitters: Uncertain significance (2). Last evaluated 2026-08-13.

Conditions:
Inborn genetic diseases. Identifiers: MedGen C0950123, MeSH D030342.

Submissions (2):

Ambry Genetics
Classification: Uncertain significance for Inborn genetic diseases. Last evaluated: 2026-08-13. Review status: criteria provided, single submitter. Criteria: Ambry Variant Classification Scheme 2023. Collection method: clinical testing. Allele origin: germline.

GeneDx
Classification: Uncertain significance. Last evaluated: 2025-03-29. Review status: criteria provided, single submitter. Criteria: GeneDx Variant Classification Process June 2021. Collection method: clinical testing. Allele origin: germline. Affected: yes.
Comment: Not observed at significant frequency in large population cohorts (gnomAD); In silico analysis supports that this missense variant has a deleterious effect on protein structure/function; Has not been previously published as pathogenic or benign to our knowledge

NM_013450.4(BAZ2B):c.5231T>C (p.Leu1744Ser)

Gene: BAZ2B (bromodomain adjacent to zinc finger domain 2B; minus strand). Cytogenetic location: 2q24.2.
Variant type: single nucleotide variant.
Coding change: c.5231T>C on transcript NM_013450.4 (MANE Select); coding-DNA position 5231, T replaced by C.
Protein change: p.Leu1744Ser; replaces leucine 1744 with serine.
Molecular consequence: missense variant.
Genome position (GRCh38, 1-based): chr2:159,348,740, A>G on the plus strand (T>C on the coding strand, the complement: BAZ2B is on the minus strand). VCF-style: chr2-159348740-A-G. GRCh37 (hg19) VCF-style: chr2-160205251-A-G.
Other names: c.5123T>C, p.Leu1708Ser (NM_001289975.1); c.5069T>C, p.Leu1690Ser (NM_001329857.2); c.5156T>C, p.Leu1719Ser (NM_001329858.2); c.5231T>C (NM_013450.2); short protein forms L1690S, L1708S, L1719S, L1744S.
Identifiers: ClinVar variation 4282503 (VCV004282503.2).